The following is an entry in ClinVar:

NM_007074.4(CORO1A):c.1002C>T (p.Ile334=)

Gene: CORO1A (coronin 1A; plus strand). Cytogenetic location: 16p11.2.
Variant type: single nucleotide variant.
Coding change: c.1002C>T on transcript NM_007074.4 (MANE Select); coding-DNA position 1002, C replaced by T.
Protein change: p.Ile334=; no amino-acid change (isoleucine 334 retained).
Molecular consequence: synonymous variant.
Genome position (GRCh38, 1-based): chr16:30,188,082, C>T. VCF-style: chr16-30188082-C-T. GRCh37 (hg19) VCF-style: chr16-30199403-C-T.
Other names: c.1002C>T, p.Ile334= (NM_001193333.3).
Identifiers: ClinVar variation 761316 (VCV000761316.30), dbSNP rs377351892, ClinGen allele CA8003330.

ClinVar aggregate classification (germline): Likely benign. Review status: criteria provided, multiple submitters, no conflicts (2 of 4 stars). 3 submissions from 3 submitters: Likely benign (3). Last evaluated 2025-04-29.

Conditions:
Severe combined immunodeficiency due to CORO1A deficiency. Also called: IMMUNODEFICIENCY 8 WITH LYMPHOPROLIFERATION; Immunodeficiency 8. Identifiers: Orphanet 228003, MedGen C3809383, MONDO:0014168, OMIM 615401.

Allele frequency attached by ClinVar (database versions not stated): ExAC 0.00004; TOPMed 0.00004; ESP Exome Variant Server 0.00015.
gnomAD v4.1: 91 of 1,613,530 alleles (0.0056%); highest among the groups gnomAD compares: Non-Finnish European, 0.0072%; no homozygotes.

Submissions (3):

Labcorp Genetics (formerly Invitae), Labcorp
Classification: Likely benign for Severe combined immunodeficiency due to CORO1A deficiency. Last evaluated: 2025-04-29. Review status: criteria provided, single submitter. Criteria: Invitae Variant Classification Sherloc (09022015). Collection method: clinical testing. Allele origin: germline.

CeGaT Center for Human Genetics Tuebingen
Classification: Likely benign. Last evaluated: 2024-06-01. Review status: criteria provided, single submitter. Criteria: CeGaT Center For Human Genetics Tuebingen Variant Classification Criteria Version 2. Collection method: clinical testing. Allele origin: germline. Affected: yes. Observed: 1 variant allele.
Comment: CORO1A: BP4, BP7

Blueprint Genetics
Classification: Likely benign. Last evaluated: 2024-05-08. Review status: criteria provided, single submitter. Criteria: ACMG Guidelines, 2015. Collection method: clinical testing. Allele origin: germline.